The following is an entry in ClinVar:

ClinVar aggregate classification (germline): Uncertain significance. Review status: criteria provided, single submitter (1 of 4 stars). 2 submissions from 2 submitters: Uncertain significance (1). 1 of the submissions does not count toward it. Last evaluated 2026-01-24.

Conditions:
Multiple acyl-CoA dehydrogenase deficiency (MADD). Also called: Glutaric acidemia type II; GA 2; ETHYLMALONIC-ADIPICACIDURIA; GA II; Glutaric aciduria, type 2; Glutaric Acidemia type 2. Identifiers: Orphanet 26791, MedGen C0268596, MONDO:0009282, OMIM 231680.

Allele frequency attached by ClinVar (database versions not stated): gnomAD exomes below 0.00001 and 0.00001; gnomAD 0.00002; TOPMed 0.00002.
gnomAD v4.1: 12 of 1,612,670 alleles (0.00074%); highest among the groups gnomAD compares: African/African-American, 0.0013%; no homozygotes.

Submissions (2):

Labcorp Genetics (formerly Invitae), Labcorp
Classification: Uncertain significance for Multiple acyl-CoA dehydrogenase deficiency. Last evaluated: 2026-01-24. Review status: criteria provided, single submitter. Criteria: Invitae Variant Classification Sherloc (09022015). Collection method: clinical testing. Allele origin: germline.
Comment: This sequence change replaces serine, which is neutral and polar, with threonine, which is neutral and polar, at codon 442 of the ETFDH protein (p.Ser442Thr). This variant is present in population databases (no rsID available, gnomAD 0.0009%). This variant has not been reported in the literature in individuals affected with ETFDH-related conditions. ClinVar contains an entry for this variant (Variation ID: 990935). Invitae Evidence Modeling of protein sequence and biophysical properties (such as structural, functional, and spatial information, amino acid conservation, physicochemical variation, residue mobility, and thermodynamic stability) indicates that this missense variant is not expected to disrupt ETFDH protein function with a negative predictive value of 80%. In summary, the available evidence is currently insufficient to determine the role of this variant in disease. Therefore, it has been classified as a Variant of Uncertain Significance.

Natera, Inc.
Classification: Uncertain significance for Glutaric aciduria type 2. Last evaluated: 2020-04-21. Review status: no assertion criteria provided. Collection method: clinical testing. Allele origin: germline. Not counted in ClinVar's aggregate classification.

NM_004453.4(ETFDH):c.1324T>A (p.Ser442Thr)

Gene: ETFDH (electron transfer flavoprotein dehydrogenase; plus strand). Cytogenetic location: 4q32.1.
Variant type: single nucleotide variant.
Coding change: c.1324T>A on transcript NM_004453.4 (MANE Select); coding-DNA position 1324, T replaced by A.
Protein change: p.Ser442Thr; replaces serine 442 with threonine.
Molecular consequence: missense variant.
Genome position (GRCh38, 1-based): chr4:158,706,227, T>A. VCF-style: chr4-158706227-T-A. GRCh37 (hg19) VCF-style: chr4-159627379-T-A.
Other names: c.1183T>A, p.Ser395Thr (NM_001281737.2); c.1141T>A, p.Ser381Thr (NM_001281738.1); short protein forms S381T, S395T, S442T.
Identifiers: ClinVar variation 990935 (VCV000990935.2), dbSNP rs1255214567, ClinGen allele CA358563749.
Genomic context (GRCh38, chr4:158,706,227, plus strand): 5'-CATTTCATGTTTTTAATAAAAGGACTCCATGTAACTGAATATGAGGACAATTTGAAGAAC[T>A]CATGGGTATGGAAAGAGCTATATTCTGTTAGAAATATAAGACCGTCCTGCCACGGAGTAC-3'
Protein context (NP_004444.2, residues 432-452): VTEYEDNLKN[Ser442Thr]WVWKELYSVR